The following is an entry in ClinVar:

NM_003803.4(MYOM1):c.1444A>G (p.Ile482Val)

Gene: MYOM1 (myomesin 1; minus strand). Cytogenetic location: 18p11.31.
Variant type: single nucleotide variant.
Coding change: c.1444A>G on transcript NM_003803.4 (MANE Select); coding-DNA position 1444, A replaced by G.
Protein change: p.Ile482Val; replaces isoleucine 482 with valine.
Molecular consequence: missense variant.
Genome position (GRCh38, 1-based): chr18:3,164,335, T>C on the plus strand (A>G on the coding strand, the complement: MYOM1 is on the minus strand). VCF-style: chr18-3164335-T-C. GRCh37 (hg19) VCF-style: chr18-3164333-T-C.
Other names: c.1444A>G, p.Ile482Val (NM_019856.2); short protein forms I482V.
Identifiers: ClinVar variation 1772764 (VCV001772764.8), dbSNP rs373491675, ClinGen allele CA8874951.

ClinVar aggregate classification (germline): Uncertain significance. Review status: criteria provided, multiple submitters, no conflicts (2 of 4 stars). 2 submissions from 2 submitters: Uncertain significance (2). Last evaluated 2025-07-03.

Conditions:
Hypertrophic cardiomyopathy. Also called: HYPERTROPHIC MYOCARDIOPATHY. Identifiers: Orphanet 217569, MedGen C0007194, MeSH D002312, MONDO:0005045, HP:0001639.

Allele frequency attached by ClinVar (database versions not stated): gnomAD exomes below 0.00001; ExAC 0.00001; gnomAD 0.00005; ESP Exome Variant Server 0.00008; TOPMed 0.00008.

Submissions (2):

Labcorp Genetics (formerly Invitae), Labcorp
Classification: Uncertain significance for Hypertrophic cardiomyopathy. Last evaluated: 2025-07-03. Review status: criteria provided, single submitter. Criteria: Invitae Variant Classification Sherloc (09022015). Collection method: clinical testing. Allele origin: germline.
Comment: This sequence change replaces isoleucine, which is neutral and non-polar, with valine, which is neutral and non-polar, at codon 482 of the MYOM1 protein (p.Ile482Val). The frequency data for this variant in the population databases is considered unreliable, as metrics indicate poor data quality at this position in the gnomAD database. This variant has not been reported in the literature in individuals affected with MYOM1-related conditions. ClinVar contains an entry for this variant (Variation ID: 1772764). Invitae Evidence Modeling of protein sequence and biophysical properties (such as structural, functional, and spatial information, amino acid conservation, physicochemical variation, residue mobility, and thermodynamic stability) indicates that this missense variant is not expected to disrupt MYOM1 protein function with a negative predictive value of 80%. In summary, the available evidence is currently insufficient to determine the role of this variant in disease. Therefore, it has been classified as a Variant of Uncertain Significance.

Ambry Genetics
Classification: Uncertain significance. Last evaluated: 2024-05-19. Review status: criteria provided, single submitter. Criteria: Ambry Variant Classification Scheme 2023. Collection method: clinical testing. Allele origin: germline.
Comment: The p.I482V variant (also known as c.1444A>G), located in coding exon 9 of the MYOM1 gene, results from an A to G substitution at nucleotide position 1444. The isoleucine at codon 482 is replaced by valine, an amino acid with highly similar properties. This amino acid position is conserved. In addition, this alteration is predicted to be tolerated by in silico analysis. Since supporting evidence is limited at this time, the clinical significance of this alteration remains unclear.